The following is an entry in ClinVar:

NM_004329.3(BMPR1A):c.1381G>T (p.Val461Leu)

Gene: BMPR1A (bone morphogenetic protein receptor type 1A; plus strand). Cytogenetic location: 10q23.2.
Variant type: single nucleotide variant.
Coding change: c.1381G>T on transcript NM_004329.3 (MANE Select); coding-DNA position 1381, G replaced by T.
Protein change: p.Val461Leu; replaces valine 461 with leucine.
Molecular consequence: missense variant. On other transcripts: non-coding transcript variant (3).
Genome position (GRCh38, 1-based): chr10:86,923,414, G>T. VCF-style: chr10-86923414-G-T. GRCh37 (hg19) VCF-style: chr10-88683171-G-T.
Other names: c.1381G>T, p.Val461Leu (NM_001406567.1, NM_001406568.1, NM_001406569.1 and 19 more transcripts); c.1456G>T, p.Val486Leu (NM_001406559.1); c.1429G>T, p.Val477Leu (NM_001406560.1); c.1297G>T, p.Val433Leu (NM_001406586.1, NM_001406587.1, NM_001406588.1 and 2 more transcripts); c.1039G>T, p.Val347Leu (NM_001406589.1); c.1375G>T, p.Val459Leu (NM_001406583.1); short protein forms V459L, V477L, V461L, V486L, V347L, V433L.
Identifiers: ClinVar variation 4826844 (VCV004826844.1).

ClinVar aggregate classification (germline): Uncertain significance (1 of 4 stars; one submission).

Conditions:
Hereditary cancer-predisposing syndrome. Also called: Neoplastic Syndromes, Hereditary; Tumor predisposition; Hereditary Cancer Syndrome; Hereditary neoplastic syndrome. Identifiers: Orphanet 140162, MedGen C0027672, MeSH D009386, MONDO:0015356.

gnomAD v4.1: 2 of 1,614,018 alleles (0.00012%); highest among the groups gnomAD compares: Admixed American, 0.0033%; no homozygotes.

Submission:

Ambry Genetics
Classification: Uncertain significance for Hereditary cancer-predisposing syndrome. Last evaluated: 2026-02-21. Review status: criteria provided, single submitter. Criteria: Ambry Variant Classification Scheme 2023. Collection method: clinical testing. Allele origin: germline.
Comment: The p.V461L variant (also known as c.1381G>T), located in coding exon 10 of the BMPR1A gene, results from a G to T substitution at nucleotide position 1381. The valine at codon 461 is replaced by leucine, an amino acid with highly similar properties. This amino acid position is conserved. In addition, this alteration is predicted to be deleterious by in silico analysis. Based on the available evidence, the clinical significance of this variant remains unclear.